The following is an entry in ClinVar:

NM_006950.3(SYN1):c.2028C>T (p.Ala676=)

Gene: SYN1 (synapsin I; minus strand). Cytogenetic location: Xp11.3.
Variant type: single nucleotide variant.
Coding change: c.2028C>T on transcript NM_006950.3 (MANE Select); coding-DNA position 2028, C replaced by T.
Protein change: p.Ala676=; no amino-acid change (alanine 676 retained).
Molecular consequence: synonymous variant. On other transcripts: missense variant (1).
Genome position (GRCh38, 1-based): chrX:47,572,954, G>A on the plus strand (C>T on the coding strand, the complement: SYN1 is on the minus strand). VCF-style: chrX-47572954-G-A. GRCh37 (hg19) VCF-style: chrX-47432353-G-A.
Other names: c.1990C>T, p.Pro664Ser (NM_133499.2); short protein forms P664S.
Identifiers: ClinVar variation 862372 (VCV000862372.12), dbSNP rs2057764630, ClinGen allele CA412820618.

ClinVar aggregate classification (germline): Conflicting classifications of pathogenicity. Review status: criteria provided, conflicting classifications (1 of 4 stars). 2 submissions from 2 submitters: Likely pathogenic (1); Uncertain significance (1). Last evaluated 2025-07-31.

Conditions:
Epilepsy, X-linked 1, with variable learning disabilities and behavior disorders. Also called: X-linked epilepsy-learning disabilities-behavior disorders syndrome. Identifiers: Orphanet 85294, MedGen C5774177, MONDO:0010339, OMIM 300491.

Allele frequency attached by ClinVar (database versions not stated): gnomAD exomes below 0.00001.
gnomAD v4.1: 2 of 1,211,619 alleles (0.00017%); highest among the groups gnomAD compares: Non-Finnish European, 0.00022%; no homozygotes.

Submissions (2):

Women's Health and Genetics/Laboratory Corporation of America, LabCorp
Classification: Uncertain significance. Last evaluated: 2025-07-31. Review status: criteria provided, single submitter. Criteria: LabCorp Variant Classification Summary - May 2015. Collection method: clinical testing. Allele origin: germline.
Comment: Variant summary: SYN1 c.1990C>T (p.Pro664Ser) results in a non-conservative amino acid change in the encoded protein sequence. Algorithms developed to predict the effect of missense changes on protein structure and function are either unavailable or do not agree on the potential impact of this missense change. The variant was absent in 183338 control chromosomes. These data do not allow any conclusion about variant significance. To our knowledge, no experimental evidence demonstrating an impact on protein function has been reported. ClinVar contains an entry for this variant (Variation ID: 862372). Based on the evidence outlined above, the variant was classified as VUS-possibly pathogenic.

Labcorp Genetics (formerly Invitae), Labcorp
Classification: Likely pathogenic for Epilepsy, X-linked 1, with variable learning disabilities and behavior disorders. Last evaluated: 2022-06-13. Review status: criteria provided, single submitter. Criteria: Invitae Variant Classification Sherloc (09022015). Collection method: clinical testing. Allele origin: germline.
Comment: In summary, the currently available evidence indicates that the variant is pathogenic, but additional data are needed to prove that conclusively. Therefore, this variant has been classified as Likely Pathogenic. Algorithms developed to predict the effect of missense changes on protein structure and function are either unavailable or do not agree on the potential impact of this missense change (SIFT: "Tolerated"; PolyPhen-2: "Not Available"; Align-GVGD: "Class C0"). ClinVar contains an entry for this variant (Variation ID: 862372). This missense change has been observed in individual(s) with clinical features of SYN1-related condition (Invitae). In at least one individual the variant was observed to be de novo. This variant is not present in population databases (gnomAD no frequency). This sequence change replaces proline, which is neutral and non-polar, with serine, which is neutral and polar, at codon 664 of the SYN1 protein (p.Pro664Ser).